The following is an entry in ClinVar:

NM_000238.4(KCNH2):c.1750G>T (p.Gly584Cys)

Gene: KCNH2 (potassium voltage-gated channel subfamily H member 2; minus strand). Cytogenetic location: 7q36.1.
Variant type: single nucleotide variant.
Coding change: c.1750G>T on transcript NM_000238.4 (MANE Select); coding-DNA position 1750, G replaced by T.
Protein change: p.Gly584Cys; replaces glycine 584 with cysteine.
Molecular consequence: missense variant.
Genome position (GRCh38, 1-based): chr7:150,951,643, C>A on the plus strand (G>T on the coding strand, the complement: KCNH2 is on the minus strand). VCF-style: chr7-150951643-C-A. GRCh37 (hg19) VCF-style: chr7-150648731-C-A.
Other names: p.G584C:GGC>TGC; c.1750G>T (LRG_288t1); c.730G>T, p.Gly244Cys (NM_001204798.2, NM_172057.3); c.1462G>T, p.Gly488Cys (NM_001406753.1, NM_001406756.1); c.1573G>T, p.Gly525Cys (NM_001406755.1); c.1450G>T, p.Gly484Cys (NM_001406757.1); c.1750G>T, p.Gly584Cys (NM_172056.3); short protein forms G244C, G584C, G484C, G488C, G525C.
Identifiers: ClinVar variation 67263 (VCV000067263.9), dbSNP rs199473428, ClinGen allele CA005388.
Genomic context (GRCh38, chr7:150,951,643, plus strand): 5'-CGCCCAGGCCGCTGCTGTTGTAGGGTTTGCCTATCTGGTCGCCCAGGTTGTGCAGCCAGC[C>A]GATGCGTGAGTCCATGTGTGGCTGCTCCATGTTGCCGATGGCGTACCAGATGCAGGCTAG-3'
Protein context (NP_000229.1, residues 574-594): MEQPHMDSRI[Gly584Cys]WLHNLGDQIG

ClinVar aggregate classification (germline): Conflicting classifications of pathogenicity. Review status: criteria provided, conflicting classifications (1 of 4 stars). 3 submissions from 3 submitters: Pathogenic (1); Uncertain significance (1). 1 of the submissions does not count toward it. Last evaluated 2018-10-14.

Conditions:
Familial long QT syndrome (RWS). Also called: Congenital long QT syndrome; Romano-Ward syndrome; VENTRICULAR FIBRILLATION WITH PROLONGED QT INTERVAL. Identifiers: Orphanet 768, MedGen C1141890, MONDO:0019171.
Long QT syndrome (LQTS). Identifiers: MedGen C0023976, MeSH D008133, MONDO:0002442. Disease mechanism: loss of function. Inheritance: Various modes of inheritance.

Submissions (3):

Labcorp Genetics (formerly Invitae), Labcorp
Classification: Uncertain significance for Long QT syndrome. Last evaluated: 2018-10-14. Review status: criteria provided, single submitter. Criteria: Invitae Variant Classification Sherloc (09022015). Collection method: clinical testing. Allele origin: germline.
Comment: In summary, the available evidence is currently insufficient to determine the role of this variant in disease. Therefore, it has been classified as a Variant of Uncertain Significance. This variant disrupts the p.Gly584 amino acid residue in KCNH2. Other variant(s) that disrupt this residue have been observed in affected individuals (PMID: 19490267, 10862094, 10973849, 17222736, 22949429, 24606995), suggesting that it is a clinically significant residue. As a result, variants that disrupt this residue are likely to be causative of disease. Experimental studies have shown that this missense change is well tolerated in free thiol state, but further modifications produce a significant impact on channel function (PMID: 12407082). This variant has been observed in an individual affected with long QT syndrome (PMID: 18441445). ClinVar contains an entry for this variant (Variation ID: 67263). This variant is not present in population databases (ExAC no frequency). This sequence change replaces glycine with cysteine at codon 584 of the KCNH2 protein (p.Gly584Cys). The glycine residue is highly conserved and there is a large physicochemical difference between glycine and cysteine.

GeneDx
Classification: Pathogenic. Last evaluated: 2013-01-07. Review status: criteria provided, single submitter. Criteria: GeneDx Variant Classification (06012015). Collection method: clinical testing. Allele origin: germline. Affected: yes.
Comment: p.Gly584Cys (GGC>TGC): c.1750 G>T in exon 7 of the KCNH2 (aka HERG) gene (NM_000238.2)The Gly584Cys mutation in the KCNH2 gene has been reported in at least one Japanese family with LQTS and it was absent from 200 Japanese control individuals (Nagaoka I et al., 2008; Itoh H et al., 2010). Gly584Cys results in a non-conservative amino acid substitution of a non-polar Glycine with a neutral, polar Cysteine at a residue that is conserved across species. In addition, Gly584Cys is located in the S5-pore transmembrane domain, where other missense mutations at the same codon (Gly584Ser, Gly584Val) and nearby codons (Ile583Val, Trp585Cys) have also been reported in association with LQTS. The NHLBI ESP Exome Variant Server reports Gly584Cys was not observed in approximatly 6,500 samples from individuals of European and African American backgrounds, indicating it is not a common variant in these populations.In summary, Gly584Cys in the KCNH2 is interpreted as a disease-causing mutation. The variant is found in LQT panel(s).

Cardiovascular Biomedical Research Unit, Royal Brompton & Harefield NHS Foundation Trust
No classification provided. Condition: Familial long QT syndrome. Review status: no classification provided. Collection method: literature only. Allele origin: germline. Not counted in ClinVar's aggregate classification.
Comment: This variant has been reported as associated with Long QT syndrome in the following publications (PMID:18441445). This is a literature report, and does not necessarily reflect the clinical interpretation of the Imperial College / Royal Brompton Cardiovascular Genetics laboratory.

Literature cited by the submitters: PubMed 19490267 (cited by Labcorp Genetics (formerly Invitae), Labcorp); PubMed 10862094 (cited by Labcorp Genetics (formerly Invitae), Labcorp); PubMed 10973849 (cited by Labcorp Genetics (formerly Invitae), Labcorp); PubMed 17222736 (cited by Labcorp Genetics (formerly Invitae), Labcorp); PubMed 22949429 (cited by Labcorp Genetics (formerly Invitae), Labcorp); PubMed 24606995 (cited by Labcorp Genetics (formerly Invitae), Labcorp); PubMed 12407082 (cited by Labcorp Genetics (formerly Invitae), Labcorp); PubMed 18441445 (cited by Labcorp Genetics (formerly Invitae), Labcorp and Cardiovascular Biomedical Research Unit, Royal Brompton & Harefield NHS Foundation Trust); PubMed 22581653 (cited by Cardiovascular Biomedical Research Unit, Royal Brompton & Harefield NHS Foundation Trust).